The following is an entry in ClinVar:

ClinVar aggregate classification (germline): Uncertain significance. Review status: criteria provided, multiple submitters, no conflicts (2 of 4 stars). 2 submissions from 2 submitters: Uncertain significance (2). Last evaluated 2024-08-08.

Conditions:
Cardiomyopathy (CMYO). Also called: Cardiomyopathies. Identifiers: Orphanet 167848, MedGen C0878544, MONDO:0004994, HP:0001638. Inheritance: Various modes of inheritance.
Hypertrophic cardiomyopathy. Also called: HYPERTROPHIC MYOCARDIOPATHY. Identifiers: Orphanet 217569, MedGen C0007194, MeSH D002312, MONDO:0005045, HP:0001639.

Allele frequency attached by ClinVar (database versions not stated): gnomAD exomes below 0.00001; ExAC 0.00001; gnomAD 0.00001.

Submissions (2):

Labcorp Genetics (formerly Invitae), Labcorp
Classification: Uncertain significance for Hypertrophic cardiomyopathy. Last evaluated: 2024-08-08. Review status: criteria provided, single submitter. Criteria: Invitae Variant Classification Sherloc (09022015). Collection method: clinical testing. Allele origin: germline.
Comment: This sequence change affects codon 1853 of the MYH7 mRNA. It is a 'silent' change, meaning that it does not change the encoded amino acid sequence of the MYH7 protein. This variant also falls at the last nucleotide of exon 37, which is part of the consensus splice site for this exon. This variant is not present in population databases (gnomAD no frequency). This variant has not been reported in the literature in individuals affected with MYH7-related conditions. ClinVar contains an entry for this variant (Variation ID: 1442070). Variants that disrupt the consensus splice site are a relatively common cause of aberrant splicing (PMID: 17576681, 9536098). Algorithms developed to predict the effect of sequence changes on RNA splicing suggest that this variant may disrupt the consensus splice site. In summary, the available evidence is currently insufficient to determine the role of this variant in disease. Therefore, it has been classified as a Variant of Uncertain Significance.

Color Diagnostics, LLC DBA Color Health
Classification: Uncertain significance for Cardiomyopathy. Last evaluated: 2024-02-12. Review status: criteria provided, single submitter. Criteria: ACMG Guidelines, 2015. Collection method: clinical testing. Allele origin: germline.
Comment: This variant is located in the MYH7 protein. To our knowledge, functional studies have not been reported for this variant. This variant has not been reported in individuals affected with MYH7-related disorders in the literature. This variant has been identified in 1/246360 chromosomes in the general population by the Genome Aggregation Database (gnomAD). The available evidence is insufficient to determine the role of this variant in disease conclusively. Therefore, this variant is classified as a Variant of Uncertain Significance.

Literature cited by the submitters: PubMed 17576681 (cited by Labcorp Genetics (formerly Invitae), Labcorp); PubMed 9536098 (cited by Labcorp Genetics (formerly Invitae), Labcorp).

NM_000257.4(MYH7):c.5559G>A (p.Gln1853=)

Gene: MYH7 (myosin heavy chain 7; minus strand). Cytogenetic location: 14q11.2.
Variant type: single nucleotide variant.
Coding change: c.5559G>A on transcript NM_000257.4 (MANE Select); coding-DNA position 5559, G replaced by A.
Protein change: p.Gln1853=; no amino-acid change (glutamine 1853 retained).
Molecular consequence: synonymous variant.
Genome position (GRCh38, 1-based): chr14:23,414,995, C>T on the plus strand (G>A on the coding strand, the complement: MYH7 is on the minus strand). VCF-style: chr14-23414995-C-T. GRCh37 (hg19) VCF-style: chr14-23884204-C-T.
Identifiers: ClinVar variation 1442070 (VCV001442070.7), dbSNP rs777694317, ClinGen allele CA047353.
Genomic context (GRCh38, chr14:23,414,995, plus strand): 5'-AGCTGGTTGTCACTGTGGCTATGGTGCCAGGGCTCTGCCTGGAGTCACCGCCCGTCGCAC[C>T]TGGTAGGTGAGCTCCTTGATGCGCCGCTCGCTCTTCCTCATGCCCTTCACCGACTCTGCG-3'
Protein context (NP_000248.2, residues 1843-1863): SERRIKELTY[Gln1853=]TEEDRKNLLR